The following is an entry in ClinVar:

ClinVar aggregate classification (germline): Uncertain significance (0 of 4 stars; one submission).

Conditions:
Thrombophilia due to protein S deficiency, autosomal dominant (THPH5). Identifiers: Orphanet 26349, Orphanet 743, MedGen C3278211, MONDO:0012868, OMIM 612336. Disease mechanism: loss of function.

gnomAD v4.1: 8 of 1,390,966 alleles (0.00058%); highest among the groups gnomAD compares: Non-Finnish European, 0.0008%; no homozygotes.

Submission:

Department of Transfusion Medicine and Hemostaseology, University Hospital Erlangen
Classification: Uncertain significance for Thrombophilia due to protein S deficiency, autosomal dominant. Last evaluated: 2025-09-01. Review status: no assertion criteria provided. Collection method: clinical testing. Allele origin: germline.
Comment: This variant was identified during a screening of patients with suspected hereditary Protein S deficiency. Currently, no literature is available describing this variant and according to dbSNP it represents a very rare genetic alteration, previously not detected in the European population according to the Allele Frequency Aggregator dataset. Several in silico variant effect prediction tools (varSEAK, SpliceAI, CAPICE) classify this variant as likely benign. Taken together, we classified this variant as of uncertain significance.

NM_000313.4(PROS1):c.966-65A>T

Gene: PROS1 (protein S; minus strand). Cytogenetic location: 3q11.1.
Variant type: single nucleotide variant.
Coding change: c.966-65A>T on transcript NM_000313.4 (MANE Select); 65 bases into the intron before coding-DNA position 966, A replaced by T.
Molecular consequence: intron variant.
Genome position (GRCh38, 1-based): chr3:93,893,187, T>A on the plus strand (A>T on the coding strand, the complement: PROS1 is on the minus strand). VCF-style: chr3-93893187-T-A. GRCh37 (hg19) VCF-style: chr3-93612031-T-A.
Other names: c.1062-65A>T (NM_001314077.2).
Identifiers: ClinVar variation 4529468 (VCV004529468.1).